The following is an entry in ClinVar:

NM_001360016.2(G6PD):c.72T>A (p.Asp24Glu)

Genes: G6PD (glucose-6-phosphate dehydrogenase; minus strand), IKBKG (inhibitor of nuclear factor kappa B kinase regulatory subunit gamma; plus strand). Cytogenetic location: Xq28.
Variant type: single nucleotide variant.
Coding change: c.72T>A on transcript NM_001360016.2 (MANE Select); coding-DNA position 72, T replaced by A.
Protein change: p.Asp24Glu; replaces aspartic acid 24 with glutamic acid.
Molecular consequence: missense variant. On other transcripts: intron variant (4).
Genome position (GRCh38, 1-based): chrX:154,546,084, A>T on the plus strand (T>A on the coding strand, the complement: G6PD is on the minus strand). VCF-style: chrX-154546084-A-T. GRCh37 (hg19) VCF-style: chrX-153774299-A-T.
Other names: c.162T>A, p.Asp54Glu (NM_000402.4); c.72T>A, p.Asp24Glu (NM_001042351.3); c.-16+4693A>T (NM_001377312.1, NM_001377313.1); c.189+3632A>T (NM_001099856.6); c.-16+3697A>T (NM_001321396.3); short protein forms D24E, D54E.
Identifiers: ClinVar variation 1342476 (VCV001342476.6), dbSNP rs1557233192, ClinGen allele CA415202214.

ClinVar aggregate classification (germline): Uncertain significance. Review status: criteria provided, multiple submitters, no conflicts (2 of 4 stars). 2 submissions from 2 submitters: Uncertain significance (2). Last evaluated 2024-03-12.

Conditions:
Anemia, nonspherocytic hemolytic, due to G6PD deficiency (CNSHA1). Also called: Hemolytic anemia due to G6PD deficiency; ANEMIA, CONGENITAL, NONSPHEROCYTIC HEMOLYTIC, 1; Class I glucose-6-phosphate dehydrogenase deficiency; Favism, susceptibility to. Identifiers: Orphanet 466026, MedGen C2720289, MONDO:0010480, OMIM 300908.

Allele frequency attached by ClinVar (database versions not stated): gnomAD exomes below 0.00001.

Submissions (2):

Labcorp Genetics (formerly Invitae), Labcorp
Classification: Uncertain significance for Anemia, nonspherocytic hemolytic, due to G6PD deficiency. Last evaluated: 2024-03-12. Review status: criteria provided, single submitter. Criteria: Invitae Variant Classification Sherloc (09022015). Collection method: clinical testing. Allele origin: germline.
Comment: This sequence change replaces aspartic acid, which is acidic and polar, with glutamic acid, which is acidic and polar, at codon 24 of the G6PD protein (p.Asp24Glu). This variant is not present in population databases (gnomAD no frequency). This variant has not been reported in the literature in individuals affected with G6PD-related conditions. ClinVar contains an entry for this variant (Variation ID: 1342476). Advanced modeling of protein sequence and biophysical properties (such as structural, functional, and spatial information, amino acid conservation, physicochemical variation, residue mobility, and thermodynamic stability) performed at Invitae indicates that this missense variant is not expected to disrupt G6PD protein function with a negative predictive value of 95%. In summary, the available evidence is currently insufficient to determine the role of this variant in disease. Therefore, it has been classified as a Variant of Uncertain Significance.

New York Genome Center
Classification: Uncertain significance for Anemia, nonspherocytic hemolytic, due to G6PD deficiency. Last evaluated: 2021-06-03. Review status: criteria provided, single submitter. Criteria: NYGC Assertion Criteria 2020. Collection method: clinical testing. Allele origin: inherited. Observed: 1 hemizygote. Study: CSER-NYCKidSeq.
Comment: The inherited hemizygous c.72T>A (p.Asp24Glu) missense variant identified in the G6PD gene has not been reported in affected individuals in the literature. The variant is absent from gnomAD(v3) database suggesting it is not a common benign variant in the populations represented in thatdatabase. The affected residue is not well conserved. The variant is predicted “neutral” by multiple in silico prediction tools (REVEL score = 0.337). Based on the available evidence, the inherited hemizygous c.72T>A (p.Asp24Glu) missense variant identified in the G6PD gene is reported as avariant of uncertain significance.